The following is an entry in ClinVar:

ClinVar aggregate classification (germline): Uncertain significance (1 of 4 stars; one submission).

gnomAD v4.1: 3 of 1,613,946 alleles (0.00019%); highest among the groups gnomAD compares: African/African-American, 0.004%; no homozygotes.

Submission:

GeneDx
Classification: Uncertain significance. Last evaluated: 2025-04-16. Review status: criteria provided, single submitter. Criteria: GeneDx Variant Classification Process June 2021. Collection method: clinical testing. Allele origin: germline. Affected: yes.
Comment: Not observed at significant frequency in large population cohorts (gnomAD); In silico analysis supports that this missense variant has a deleterious effect on protein structure/function; Has not been previously published as pathogenic or benign to our knowledge

NM_000540.3(RYR1):c.2324T>C (p.Leu775Pro)

Gene: RYR1 (ryanodine receptor 1; plus strand). Cytogenetic location: 19q13.2.
Variant type: single nucleotide variant.
Coding change: c.2324T>C on transcript NM_000540.3 (MANE Select); coding-DNA position 2324, T replaced by C.
Protein change: p.Leu775Pro; replaces leucine 775 with proline.
Molecular consequence: missense variant.
Genome position (GRCh38, 1-based): chr19:38,459,302, T>C. VCF-style: chr19-38459302-T-C. GRCh37 (hg19) VCF-style: chr19-38949942-T-C.
Other names: c.2324T>C, p.Leu775Pro (NM_001042723.2); short protein forms L775P.
Identifiers: ClinVar variation 4282292 (VCV004282292.1).
Genomic context (GRCh38, chr19:38,459,302, plus strand): 5'-CCTTCCGCATCAACGGCTGCCCCGTGCAGGGTGTCTTTGAGTCCTTCAACCTGGACGGGC[T>C]CTTCTTCCCTGTTGTCAGCTTCTCGGCTGGTGTCAAGTGAGAACTTGCCCCCACCCCACG-3'
Protein context (NP_000531.2, residues 765-785): GVFESFNLDG[Leu775Pro]FFPVVSFSAG